The following is an entry in ClinVar:

NM_000321.3(RB1):c.-105T>A

Gene: RB1 (RB transcriptional corepressor 1; plus strand). Cytogenetic location: 13q14.2.
Variant type: single nucleotide variant.
Coding change: c.-105T>A on transcript NM_000321.3 (MANE Select); 105 bases upstream of the start codon, T replaced by A.
Molecular consequence: 5 prime UTR variant.
Genome position (GRCh38, 1-based): chr13:48,303,808, T>A. VCF-style: chr13-48303808-T-A. GRCh37 (hg19) VCF-style: chr13-48877944-T-A.
Other names: c.-105T>A (NM_001407165.1, NM_001407166.1, NM_001407167.1).
Identifiers: ClinVar variation 3726755 (VCV003726755.2).

ClinVar aggregate classification (germline): Uncertain significance (1 of 4 stars; one submission).

Conditions:
Retinoblastoma (RB1). Also called: RETINOBLASTOMA, SOMATIC. Identifiers: Orphanet 790, MedGen C0035335, MeSH D012175, MONDO:0008380, OMIM 180200, HP:0009919. Disease mechanism: loss of function. Inheritance: Both sporadic and heritable forms are tested..

Submission:

Labcorp Genetics (formerly Invitae), Labcorp
Classification: Uncertain significance for Retinoblastoma. Last evaluated: 2024-12-07. Review status: criteria provided, single submitter. Criteria: Invitae Variant Classification Sherloc (09022015). Collection method: clinical testing. Allele origin: germline.
Comment: This variant occurs in a non-coding region of the RB1 gene. It does not change the encoded amino acid sequence of the RB1 protein. This variant is not present in population databases (gnomAD no frequency). This variant has not been reported in the literature in individuals affected with RB1-related conditions. In summary, the available evidence is currently insufficient to determine the role of this variant in disease. Therefore, it has been classified as a Variant of Uncertain Significance.